The following is an entry in ClinVar:

ClinVar aggregate classification (germline): Benign (1 of 4 stars; one submission).

Conditions:
Leigh syndrome (NULS). Also called: Leigh's necrotizing encephalopathy; Leigh's disease; Leigh Syndrome (mtDNA deletion); Leigh Disease; Subacute necrotizing encephalopathy; Necrotizing encephalopathy infantile subacute of Leigh. Identifiers: Orphanet 506, MedGen C2931891, MONDO:0009723, OMIM 256000.

Submission:

Wong Mito Lab, Molecular and Human Genetics, Baylor College of Medicine
Classification: Benign for Leigh syndrome. Last evaluated: 2019-10-17. Review status: criteria provided, single submitter. Criteria: Modified ACMG Guidelines (Unpublished). Collection method: clinical testing. Allele origin: germline.
Comment: The NC_012920.1:m.8426T>C (YP_003024030.1:p.Phe21Leu) variant in MTATP8 gene is interpretated to be a Benign variant based on the modified ACMG guidelines (unpublished). This variant meets the following evidence codes: BS1, BS4

Literature cited by the submitters: PubMed 7633428.

NC_012920.1(MT-ATP8):m.8426T>C

Gene: MT-ATP8 (mitochondrially encoded ATP synthase 8; plus strand).
Variant type: single nucleotide variant.
Genome position: chrM-8426-T-C.
Identifiers: ClinVar variation 692853 (VCV000692853.1), dbSNP rs1556423461, ClinGen allele CA414796042.